The following is an entry in ClinVar:

ClinVar aggregate classification (germline): Benign/Likely benign. Review status: criteria provided, multiple submitters, no conflicts (2 of 4 stars). 9 submissions from 9 submitters: Benign (2); Likely benign (5). 2 of the submissions do not count toward it. Last evaluated 2025-11-25.

Conditions:
TRIOBP-related disorder. Also called: TRIOBP-related condition.
Meniere disease. Also called: Ménière's disease. Identifiers: MedGen C0025281, MONDO:0007972, OMIM 156000.

Allele frequency attached by ClinVar (database versions not stated): 1000 Genomes Project 30x 0.00016; 1000 Genomes Project 0.00020; TOPMed 0.00125; ESP Exome Variant Server 0.00177; gnomAD 0.00196 and 0.00203; gnomAD exomes 0.00230; ExAC 0.00243.
gnomAD v4.1: 3,584 of 1,613,978 alleles (0.22%); highest among the groups gnomAD compares: Non-Finnish European, 0.24%; 15 homozygotes.

Submissions (9):

Labcorp Genetics (formerly Invitae), Labcorp
Classification: Benign. Last evaluated: 2025-11-25. Review status: criteria provided, single submitter. Criteria: Invitae Variant Classification Sherloc (09022015). Collection method: clinical testing. Allele origin: germline.

CeGaT Center for Human Genetics Tuebingen
Classification: Likely benign. Last evaluated: 2025-01-01. Review status: criteria provided, single submitter. Criteria: CeGaT Center For Human Genetics Tuebingen Variant Classification Criteria Version 2. Collection method: clinical testing. Allele origin: germline. Affected: yes. Observed: 4 variant alleles.
Comment: TRIOBP: BS2

Athena Diagnostics
Classification: Likely benign. Last evaluated: 2019-07-02. Review status: criteria provided, single submitter. Criteria: Athena Diagnostics Criteria. Collection method: clinical testing. Allele origin: germline.

GeneDx
Classification: Benign. Last evaluated: 2018-12-18. Review status: criteria provided, single submitter. Criteria: GeneDx Variant Classification Process June 2021. Collection method: clinical testing. Allele origin: germline. Affected: yes.

Eurofins Ntd Llc (ga)
Classification: Likely benign. Last evaluated: 2017-07-03. Review status: criteria provided, single submitter. Criteria: EGL Classification Definitions 2015. Collection method: clinical testing. Allele origin: germline. Observed: 1 variant allele, 1 heterozygote.

Laboratory for Molecular Medicine, Mass General Brigham Personalized Medicine
Classification: Likely benign. Last evaluated: 2015-05-19. Review status: criteria provided, single submitter. Criteria: LMM Criteria. Collection method: clinical testing. Allele origin: germline. Observed: 7 variant alleles.
Comment: p.Ala1863Val in exon 15 of TRIOBP: This variant is not expected to have clinical significance because it has been identified in 0.33% (220/66206) of European ch romosomes by the Exome Aggregation Consortium (ExAC. org; dbSNP rs140528529).

Breakthrough Genomics
Classification: Likely benign. Review status: criteria provided, single submitter. Criteria: ACMG Guidelines, 2015. Collection method: not provided. Allele origin: germline. Inheritance: Autosomal recessive inheritance. Affected: yes.

Center for Computational Biology & Bioinformatics, University of California, San Diego
Classification: Uncertain significance for Meniere disease. Last evaluated: 2024-06-03. Review status: no assertion criteria provided. Collection method: research. Allele origin: germline. Affected: yes. Not counted in ClinVar's aggregate classification.

PreventionGenetics, part of Exact Sciences
Classification: Likely benign for TRIOBP-related condition. Last evaluated: 2020-01-10. Review status: no assertion criteria provided. Collection method: clinical testing. Allele origin: germline. Not counted in ClinVar's aggregate classification.
Comment: This variant is classified as likely benign based on ACMG/AMP sequence variant interpretation guidelines (Richards et al. 2015 PMID: 25741868, with internal and published modifications).

NM_001039141.3(TRIOBP):c.5588C>T (p.Ala1863Val)

Genes: TRIOBP (TRIO and F-actin binding protein; plus strand), LOC126863145 (CDK7 strongly-dependent group 2 enhancer GRCh37_chr22:38150829-38152028; plus strand). Cytogenetic location: 22q13.1.
Variant type: single nucleotide variant.
Coding change: c.5588C>T on transcript NM_001039141.3 (MANE Select); coding-DNA position 5588, C replaced by T.
Protein change: p.Ala1863Val; replaces alanine 1863 with valine.
Molecular consequence: missense variant.
Genome position (GRCh38, 1-based): chr22:37,755,560, C>T. VCF-style: chr22-37755560-C-T. GRCh37 (hg19) VCF-style: chr22-38151567-C-T.
Other names: c.449C>T, p.Ala150Val (NM_007032.5, NM_138632.2); short protein forms A1863V, A150V.
Identifiers: ClinVar variation 177980 (VCV000177980.49), dbSNP rs140528529, ClinGen allele CA181114.